The following is an entry in ClinVar:

ClinVar aggregate classification (germline): Uncertain significance (1 of 4 stars; one submission).

Submission:

ISCA site 15
Classification: Uncertain significance. Last evaluated: 2011-08-12. Review status: criteria provided, single submitter. Criteria: Kaminsky et al. (Genet Med. 2011). Collection method: clinical testing. Allele origin: unknown. Affected: yes. Observed: 1 variant allele.
Comment: Copy number variation identified through the course of routine clinical cytogenomic testing in postnatal populations. Clinical assertions have been curated as described in Kaminsky et al. 2011.

GRCh38/hg38 14q32.31(chr14:101534151-101561708)x3

Genes: DIO3 (iodothyronine deiodinase 3; plus strand), DIO3OS (DIO3 opposite strand upstream RNA; minus strand), MIR1247 (microRNA 1247; minus strand), LOC126862058 (CDK7 strongly-dependent group 2 enhancer GRCh37_chr14:102018566-102019765; plus strand). Cytogenetic location: 14q32.31.
Variant type: copy number gain.
Change: copy number 3 (three copies instead of two) of chr14:101,534,151-101,561,708 (27.6 kb, GRCh38 coordinates, 1-based), cytogenetic band 14q32.31.
Identifiers: ClinVar variation 58338 (VCV000058338.1).